The following is an entry in ClinVar:

NM_000238.4(KCNH2):c.3202C>T (p.Gln1068Ter)

Gene: KCNH2 (potassium voltage-gated channel subfamily H member 2; minus strand). Cytogenetic location: 7q36.1.
Variant type: single nucleotide variant.
Coding change: c.3202C>T on transcript NM_000238.4 (MANE Select); coding-DNA position 3202, C replaced by T.
Protein change: p.Gln1068Ter; replaces glutamine 1068 with a stop codon.
Molecular consequence: nonsense.
Genome position (GRCh38, 1-based): chr7:150,947,005, G>A on the plus strand (C>T on the coding strand, the complement: KCNH2 is on the minus strand). VCF-style: chr7-150947005-G-A. GRCh37 (hg19) VCF-style: chr7-150644093-G-A.
Other names: c.2182C>T, p.Gln728Ter (NM_172057.3); short protein forms Q1068*, Q728*.
Identifiers: ClinVar variation 446417 (VCV000446417.2), dbSNP rs1554423863, ClinGen allele CA369852264.
Genomic context (GRCh38, chr7:150,947,005, plus strand): 5'-GGCCAGGCCCCGGGGTGGTCACAGCACTGTAGGCGGGCGGGACCAGCGTCATCTGCCTCT[G>A]TAGCAGCTGCAGGACAGTGGCCATGTCTGCACTCAGCCGGGTCTCCAGCCTGGGGCAGGA-3'

ClinVar aggregate classification (germline): Pathogenic. Review status: criteria provided, multiple submitters, no conflicts (2 of 4 stars). 2 submissions from 2 submitters: Pathogenic (2). Last evaluated 2026-08-03.

Conditions:
Cardiovascular phenotype. Identifiers: MedGen CN230736.
Long QT syndrome 2 (LQT2). Identifiers: Orphanet 101016, Orphanet 768, MedGen C3150943, MONDO:0013367, OMIM 613688.

Submissions (2):

Ambry Genetics
Classification: Pathogenic for Cardiovascular phenotype. Last evaluated: 2026-08-03. Review status: criteria provided, single submitter. Criteria: Ambry Variant Classification Scheme 2023. Collection method: clinical testing. Allele origin: germline.
Comment: The p.Q1068* pathogenic mutation (also known as c.3202C>T), located in coding exon 14 of the KCNH2 gene, results from a C to T substitution at nucleotide position 3202. This changes the amino acid from a glutamine to a stop codon within coding exon 14. This variant was reported in individual(s) with features consistent with long QT syndrome; in at least one individual, it was determined to be de novo (Dong J. Heliyon. 2018 Dec;4(12):e01015). In an assay testing KCNH2 function, this variant showed a functionally abnormal result (Dong J. Heliyon. 2018 Dec;4(12):e01015). This variant is considered to be rare based on population cohorts in the Genome Aggregation Database (gnomAD). This alteration is expected to result in loss of function by premature protein truncation or nonsense-mediated mRNA decay. As such, this alteration is interpreted as a disease-causing mutation.

MVZ Martinsried, Medicover Genetics
Classification: Pathogenic for Long QT syndrome 2. Last evaluated: 2017-07-04. Review status: criteria provided, single submitter. Criteria: ACMG Guidelines, 2015. Collection method: clinical testing. Allele origin: unknown. Affected: yes.

Literature cited by the submitters: PubMed 30582040 (cited by Ambry Genetics).